The following is an entry in ClinVar:

NM_012154.5(AGO2):c.921G>A (p.Thr307=)

Genes: AGO2 (argonaute RISC catalytic component 2; minus strand), LOC126860544 (MED14-independent group 3 enhancer GRCh37_chr8:141567119-141568318; plus strand). Cytogenetic location: 8q24.3.
Variant type: single nucleotide variant.
Coding change: c.921G>A on transcript NM_012154.5 (MANE Select); coding-DNA position 921, G replaced by A.
Protein change: p.Thr307=; no amino-acid change (threonine 307 retained).
Molecular consequence: synonymous variant.
Genome position (GRCh38, 1-based): chr8:140,557,194, C>T on the plus strand (G>A on the coding strand, the complement: AGO2 is on the minus strand). VCF-style: chr8-140557194-C-T. GRCh37 (hg19) VCF-style: chr8-141567293-C-T.
Other names: c.921G>A, p.Thr307= (NM_001164623.3).
Identifiers: ClinVar variation 4874473 (VCV004874473.2).

ClinVar aggregate classification (germline): Likely benign (1 of 4 stars; one submission).

gnomAD v4.1: 47 of 1,613,924 alleles (0.0029%); highest among the groups gnomAD compares: Admixed American, 0.062%; no homozygotes.

Submission:

CeGaT Center for Human Genetics Tuebingen
Classification: Likely benign. Last evaluated: 2026-04-01. Review status: criteria provided, single submitter. Criteria: CeGaT Center For Human Genetics Tuebingen Variant Classification Criteria Version 2. Collection method: clinical testing. Allele origin: germline. Affected: yes. Observed: 1 variant allele.
Comment: AGO2: BP4, BP7